The following is an entry in ClinVar:

ClinVar aggregate classification (germline): Uncertain significance (1 of 4 stars; one submission).

Allele frequency attached by ClinVar (database versions not stated): TOPMed below 0.00001; gnomAD 0.00001.
gnomAD v4.1: 2 of 1,611,198 alleles (0.00012%); highest among the groups gnomAD compares: African/African-American, 0.0013%; no homozygotes.

Submission:

Labcorp Genetics (formerly Invitae), Labcorp
Classification: Uncertain significance. Last evaluated: 2022-07-17. Review status: criteria provided, single submitter. Criteria: Invitae Variant Classification Sherloc (09022015). Collection method: clinical testing. Allele origin: germline.
Comment: This sequence change replaces isoleucine, which is neutral and non-polar, with threonine, which is neutral and polar, at codon 1615 of the ABCA4 protein (p.Ile1615Thr). This variant is not present in population databases (gnomAD no frequency). This variant has not been reported in the literature in individuals affected with ABCA4-related conditions. Algorithms developed to predict the effect of missense changes on protein structure and function (SIFT, PolyPhen-2, Align-GVGD) all suggest that this variant is likely to be disruptive. In summary, the available evidence is currently insufficient to determine the role of this variant in disease. Therefore, it has been classified as a Variant of Uncertain Significance.

NM_000350.3(ABCA4):c.4844T>C (p.Ile1615Thr)

Genes: ABCA4 (ATP binding cassette subfamily A member 4; minus strand), LOC126805793 (CDK7 strongly-dependent group 2 enhancer GRCh37_chr1:94486302-94487501; plus strand). Cytogenetic location: 1p22.1.
Variant type: single nucleotide variant.
Coding change: c.4844T>C on transcript NM_000350.3 (MANE Select); coding-DNA position 4844, T replaced by C.
Protein change: p.Ile1615Thr; replaces isoleucine 1615 with threonine.
Molecular consequence: missense variant.
Genome position (GRCh38, 1-based): chr1:94,021,644, A>G on the plus strand (T>C on the coding strand, the complement: ABCA4 is on the minus strand). VCF-style: chr1-94021644-A-G. GRCh37 (hg19) VCF-style: chr1-94487200-A-G.
Other names: c.4622T>C, p.Ile1541Thr (NM_001425324.1); short protein forms I1615T, I1541T.
Identifiers: ClinVar variation 1954306 (VCV001954306.2), dbSNP rs1659900291, ClinGen allele CA341283560.
Genomic context (GRCh38, chr1:94,021,644, plus strand): 5'-ATAACCAGCTCAGGTAAATTTTTAGCTCCAGAGCAGATTATACATAGGTCAAGTACCTTA[A>G]TGTTGTCTTCAGTTTCTAGATGTTTAAGGAAATCAGGTATTTCTTTAGAGGCCTCTCTAG-3'
Protein context (NP_000341.2, residues 1605-1625): FLKHLETEDN[Ile1615Thr]KVWFNNKGWH